The following is an entry in ClinVar:

NM_080683.3(PTPN13):c.4843A>C (p.Ser1615Arg)

Gene: PTPN13 (protein tyrosine phosphatase non-receptor type 13; plus strand). Cytogenetic location: 4q21.3.
Variant type: single nucleotide variant.
Coding change: c.4843A>C on transcript NM_080683.3 (MANE Select); coding-DNA position 4843, A replaced by C.
Protein change: p.Ser1615Arg; replaces serine 1615 with arginine.
Molecular consequence: missense variant.
Genome position (GRCh38, 1-based): chr4:86,771,210, A>C. VCF-style: chr4-86771210-A-C. GRCh37 (hg19) VCF-style: chr4-87692363-A-C.
Other names: c.4786A>C, p.Ser1596Arg (NM_006264.3); c.4270A>C, p.Ser1424Arg (NM_080684.3); c.4858A>C, p.Ser1620Arg (NM_080685.3); short protein forms S1424R, S1596R, S1615R, S1620R.
Identifiers: ClinVar variation 3358900 (VCV003358900.1).

ClinVar aggregate classification (germline): Uncertain significance (0 of 4 stars; one submission).

Conditions:
Familial long QT syndrome (RWS). Also called: Romano-Ward syndrome; VENTRICULAR FIBRILLATION WITH PROLONGED QT INTERVAL; Congenital long QT syndrome. Identifiers: Orphanet 768, MedGen C1141890, MONDO:0019171.

gnomAD v4.1: 682 of 1,612,134 alleles (0.042%); highest among the groups gnomAD compares: South Asian, 0.7%; 9 homozygotes.

Submission:

Genetics and Genomics Program, Sidra Medicine
Classification: Uncertain significance for Isolated congenital long QT syndrome. Review status: no assertion criteria provided. Collection method: research. Allele origin: unknown. Affected: yes.
Comment: The c.4858A>C missense variant in PTPN13 has a gnomAD frequency of 3.18E-05. It occurs in a critical domain of the gene (PM1). ACMG codes: PM1, BS2.